The following is an entry in ClinVar:

NM_001754.5(RUNX1):c.1159_1161del (p.Gly387del)

Gene: RUNX1 (RUNX family transcription factor 1; minus strand). Cytogenetic location: 21q22.12.
Variant type: Deletion.
Coding change: c.1159_1161del on transcript NM_001754.5 (MANE Select); coding-DNA positions 1159 to 1161, 3 bases deleted (GGC; older notation c.1159_1161delGGC).
Protein change: p.Gly387del; deletes glycine 387.
Molecular consequence: inframe deletion.
Genome position (GRCh38, 1-based): chr21:34,792,417-34,792,419, GCC deleted on the plus strand (GGC on the coding strand, the reverse complement: RUNX1 is on the minus strand); deleting any 3 consecutive bases within chr21:34,792,417-34,792,420 gives the same sequence; the c. name uses the placement nearest the transcript's 3' end. VCF-style (leftmost placement, unchanged base first): chr21-34792416-AGCC-A. GRCh37 (hg19) VCF-style: chr21-36164713-AGCC-A.
Other names: NM_001754.5(RUNX1):c.1159_1161del; p.Gly387del; c.1078_1080del, p.Gly360del (NM_001001890.3); c.1159_1161delGGC (NM_001754.4); short protein forms G387del, G360del.
Identifiers: ClinVar variation 409819 (VCV000409819.9), dbSNP rs975536871, ClinGen allele CA16616514.

ClinVar aggregate classification (germline): Uncertain significance. Review status: reviewed by expert panel (3 of 4 stars). 2 submissions from 2 submitters: Uncertain significance (1). 1 of the submissions does not count toward it. Last evaluated 2024-08-01.

Conditions:
Hereditary thrombocytopenia and hematologic cancer predisposition syndrome. Identifiers: Orphanet 71290, MedGen CN281654, MONDO:0011071.
Hereditary thrombocytopenia and hematological cancer predisposition syndrome associated with RUNX1. Also called: Familial Platelet Disorder with Propensity to Acute Myelogenous Leukemia; Familial thrombocytopenia with propensity to acute myelogenous leukemia; PLATELET DISORDER, ASPIRIN-LIKE; RUNX1 Familial Platelet Disorder with Associated Myeloid Malignancies. Identifiers: Orphanet 71290, MedGen C1832388, MeSH C563324, MONDO:0100083, OMIM 601399.

Submissions (2):

ClinGen Myeloid Malignancy Variant Curation Expert Panel
Classification: Uncertain significance for Hereditary thrombocytopenia and hematologic cancer predisposition syndrome. Last evaluated: 2024-08-01. Review status: reviewed by expert panel. Criteria: ClinGen MyeloMalig ACMG Specifications v2. Collection method: curation. Allele origin: germline. Inheritance: Autosomal dominant inheritance.
Comment: NM_001754.5(RUNX1):c.1159_1161del (p.Gly387del) is an in-frame deletion which does not affect any residues within the Runt Homology Domain (AA 89-204) (PM4 not applied). This variant is completely absent from all population databases with at least 20x coverage for RUNX1 (PM2_Supporting). In summary, the clinical significance of this variant is uncertain. ACMG/AMP criteria applied, as specified by the Myeloid Malignancy Variant Curation Expert Panel for RUNX1: PM2_supporting.

Labcorp Genetics (formerly Invitae), Labcorp
Classification: Uncertain significance for Hereditary thrombocytopenia and hematological cancer predisposition syndrome associated with RUNX1. Last evaluated: 2024-04-29. Review status: criteria provided, single submitter. Criteria: Invitae Variant Classification Sherloc (09022015). Collection method: clinical testing. Allele origin: germline. Not counted in ClinVar's aggregate classification.
Comment: This variant, c.1159_1161del, results in the deletion of 1 amino acid(s) of the RUNX1 protein (p.Gly387del), but otherwise preserves the integrity of the reading frame. This variant is not present in population databases (gnomAD no frequency). This variant has not been reported in the literature in individuals affected with RUNX1-related conditions. ClinVar contains an entry for this variant (Variation ID: 409819). In summary, the available evidence is currently insufficient to determine the role of this variant in disease. Therefore, it has been classified as a Variant of Uncertain Significance.